The following is an entry in ClinVar:

NM_003803.4(MYOM1):c.1058C>T (p.Ser353Leu)

Gene: MYOM1 (myomesin 1; minus strand). Cytogenetic location: 18p11.31.
Variant type: single nucleotide variant.
Coding change: c.1058C>T on transcript NM_003803.4 (MANE Select); coding-DNA position 1058, C replaced by T.
Protein change: p.Ser353Leu; replaces serine 353 with leucine.
Molecular consequence: missense variant.
Genome position (GRCh38, 1-based): chr18:3,174,173, G>A on the plus strand (C>T on the coding strand, the complement: MYOM1 is on the minus strand). VCF-style: chr18-3174173-G-A. GRCh37 (hg19) VCF-style: chr18-3174171-G-A.
Other names: c.1058C>T, p.Ser353Leu (NM_019856.2); short protein forms S353L.
Identifiers: ClinVar variation 570604 (VCV000570604.11), dbSNP rs200948763, ClinGen allele CA8875074.

ClinVar aggregate classification (germline): Uncertain significance. Review status: criteria provided, multiple submitters, no conflicts (2 of 4 stars). 2 submissions from 2 submitters: Uncertain significance (2). Last evaluated 2026-01-04.

Conditions:
Hypertrophic cardiomyopathy. Also called: HYPERTROPHIC MYOCARDIOPATHY. Identifiers: Orphanet 217569, MedGen C0007194, MeSH D002312, MONDO:0005045, HP:0001639.

Allele frequency attached by ClinVar (database versions not stated): gnomAD exomes 0.00004; ExAC 0.00007; TOPMed 0.00008; gnomAD 0.00009 and 0.00010; ESP Exome Variant Server 0.00017.

Submissions (2):

Labcorp Genetics (formerly Invitae), Labcorp
Classification: Uncertain significance for Hypertrophic cardiomyopathy. Last evaluated: 2026-01-04. Review status: criteria provided, single submitter. Criteria: Invitae Variant Classification Sherloc (09022015). Collection method: clinical testing. Allele origin: germline.
Comment: This sequence change replaces serine, which is neutral and polar, with leucine, which is neutral and non-polar, at codon 353 of the MYOM1 protein (p.Ser353Leu). This variant is present in population databases (rs200948763, gnomAD 0.05%). This variant has not been reported in the literature in individuals affected with MYOM1-related conditions. ClinVar contains an entry for this variant (Variation ID: 570604). Invitae Evidence Modeling of protein sequence and biophysical properties (such as structural, functional, and spatial information, amino acid conservation, physicochemical variation, residue mobility, and thermodynamic stability) indicates that this missense variant is not expected to disrupt MYOM1 protein function with a negative predictive value of 80%. In summary, the available evidence is currently insufficient to determine the role of this variant in disease. Therefore, it has been classified as a Variant of Uncertain Significance.

Ambry Genetics
Classification: Uncertain significance. Last evaluated: 2025-08-28. Review status: criteria provided, single submitter. Criteria: Ambry Variant Classification Scheme 2023. Collection method: clinical testing. Allele origin: germline.
Comment: The p.S353L variant (also known as c.1058C>T), located in coding exon 6 of the MYOM1 gene, results from a C to T substitution at nucleotide position 1058. The serine at codon 353 is replaced by leucine, an amino acid with dissimilar properties. This amino acid position is conserved. In addition, this alteration is predicted to be deleterious by in silico analysis. Since supporting evidence is limited at this time, the clinical significance of this alteration remains unclear.